The following is an entry in ClinVar:

NM_001999.4(FBN2):c.3597G>A (p.Val1199=)

Gene: FBN2 (fibrillin 2; minus strand). Cytogenetic location: 5q23.3.
Variant type: single nucleotide variant.
Coding change: c.3597G>A on transcript NM_001999.4 (MANE Select); coding-DNA position 3597, G replaced by A.
Protein change: p.Val1199=; no amino-acid change (valine 1199 retained).
Molecular consequence: synonymous variant.
Genome position (GRCh38, 1-based): chr5:128,337,998, C>T on the plus strand (G>A on the coding strand, the complement: FBN2 is on the minus strand). VCF-style: chr5-128337998-C-T. GRCh37 (hg19) VCF-style: chr5-127673690-C-T.
Identifiers: ClinVar variation 3699714 (VCV003699714.2).

ClinVar aggregate classification (germline): Uncertain significance (1 of 4 stars; one submission).

Conditions:
Congenital contractural arachnodactyly (CCA). Also called: Beals-Hecht syndrome; BEALS SYNDROME; Arthrogryposis, distal, type 9. Identifiers: Orphanet 115, MedGen C0220668, MONDO:0007363, OMIM 121050.

gnomAD v4.1: 1 of 1,614,048 alleles (0.000062%); highest among the groups gnomAD compares: Non-Finnish European, 0.000085%; no homozygotes.

Submission:

Labcorp Genetics (formerly Invitae), Labcorp
Classification: Uncertain significance for Congenital contractural arachnodactyly. Last evaluated: 2025-01-08. Review status: criteria provided, single submitter. Criteria: Invitae Variant Classification Sherloc (09022015). Collection method: clinical testing. Allele origin: germline.
Comment: This sequence change affects codon 1199 of the FBN2 mRNA. It is a 'silent' change, meaning that it does not change the encoded amino acid sequence of the FBN2 protein. It affects a nucleotide within the consensus splice site. This variant is not present in population databases (gnomAD no frequency). This variant has not been reported in the literature in individuals affected with FBN2-related conditions. Algorithms developed to predict the effect of sequence changes on RNA splicing suggest that this variant is not likely to affect RNA splicing. In summary, the available evidence is currently insufficient to determine the role of this variant in disease. Therefore, it has been classified as a Variant of Uncertain Significance.